The following is an entry in ClinVar:

ClinVar aggregate classification (germline): Likely benign (1 of 4 stars; one submission).

Allele frequency attached by ClinVar (database versions not stated): ExAC 0.00050; gnomAD 0.00058; TOPMed 0.00060; ESP Exome Variant Server 0.00065; gnomAD exomes 0.00107.
gnomAD v4.1: 1,611 of 1,613,050 alleles (0.1%); highest among the groups gnomAD compares: Non-Finnish European, 0.13%; 3 homozygotes.

Submission:

CeGaT Center for Human Genetics Tuebingen
Classification: Likely benign. Last evaluated: 2023-03-01. Review status: criteria provided, single submitter. Criteria: CeGaT Center For Human Genetics Tuebingen Variant Classification Criteria Version 2. Collection method: clinical testing. Allele origin: germline. Affected: yes. Observed: 1 variant allele.
Comment: MAST4: BP4, BP7

NM_001164664.2(MAST4):c.3519C>T (p.Ile1173=)

Gene: MAST4 (microtubule associated serine/threonine kinase family member 4; plus strand). Cytogenetic location: 5q12.3.
Variant type: single nucleotide variant.
Coding change: c.3519C>T on transcript NM_001164664.2 (MANE Select); coding-DNA position 3519, C replaced by T.
Protein change: p.Ile1173=; no amino-acid change (isoleucine 1173 retained).
Molecular consequence: synonymous variant.
Genome position (GRCh38, 1-based): chr5:67,152,860, C>T. VCF-style: chr5-67152860-C-T. GRCh37 (hg19) VCF-style: chr5-66448688-C-T.
Other names: c.2901C>T, p.Ile967= (NM_001290226.2); c.2736C>T, p.Ile912= (NM_001290227.2, NM_001393527.1); c.2937C>T, p.Ile979= (NM_001297651.2); c.3528C>T, p.Ile1176= (NM_001393524.1); c.3318C>T, p.Ile1106= (NM_001393525.1); c.2751C>T, p.Ile917= (NM_001393526.1); c.2715C>T, p.Ile905= (NM_001393528.1); c.2952C>T, p.Ile984= (NM_015183.3).
Identifiers: ClinVar variation 2655498 (VCV002655498.24), dbSNP rs371209983, ClinGen allele CA3288483.